The following is an entry in ClinVar:

ClinVar aggregate classification (germline): Uncertain significance. Review status: criteria provided, multiple submitters, no conflicts (2 of 4 stars). 2 submissions from 2 submitters: Uncertain significance (2). Last evaluated 2024-06-30.

Conditions:
Inborn genetic diseases. Identifiers: MedGen C0950123, MeSH D030342.

Allele frequency attached by ClinVar (database versions not stated): gnomAD exomes 0.00002; gnomAD 0.00003; TOPMed 0.00004.
gnomAD v4.1: 33 of 1,595,960 alleles (0.0021%); highest among the groups gnomAD compares: Non-Finnish European, 0.0026%; no homozygotes.

Submissions (2):

Ambry Genetics
Classification: Uncertain significance for Inborn genetic diseases. Last evaluated: 2024-06-30. Review status: criteria provided, single submitter. Criteria: Ambry Variant Classification Scheme 2023. Collection method: clinical testing. Allele origin: germline.

Labcorp Genetics (formerly Invitae), Labcorp
Classification: Uncertain significance. Last evaluated: 2022-10-08. Review status: criteria provided, single submitter. Criteria: Invitae Variant Classification Sherloc (09022015). Collection method: clinical testing. Allele origin: germline.
Comment: In summary, the available evidence is currently insufficient to determine the role of this variant in disease. Therefore, it has been classified as a Variant of Uncertain Significance. Algorithms developed to predict the effect of sequence changes on RNA splicing suggest that this variant may disrupt the consensus splice site. Algorithms developed to predict the effect of missense changes on protein structure and function are either unavailable or do not agree on the potential impact of this missense change (SIFT: "Deleterious"; PolyPhen-2: "Possibly Damaging"; Align-GVGD: "Class C0"). ClinVar contains an entry for this variant (Variation ID: 1379118). This variant has not been reported in the literature in individuals affected with LARP7-related conditions. The frequency data for this variant in the population databases is considered unreliable, as metrics indicate poor data quality at this position in the gnomAD database. This sequence change replaces valine, which is neutral and non-polar, with alanine, which is neutral and non-polar, at codon 129 of the LARP7 protein (p.Val129Ala).

NM_016648.4(LARP7):c.386T>C (p.Val129Ala)

Gene: LARP7 (La ribonucleoprotein 7, transcriptional regulator; plus strand). Cytogenetic location: 4q25.
Variant type: single nucleotide variant.
Coding change: c.386T>C on transcript NM_016648.4 (MANE Select); coding-DNA position 386, T replaced by C.
Protein change: p.Val129Ala; replaces valine 129 with alanine.
Molecular consequence: missense variant.
Genome position (GRCh38, 1-based): chr4:112,646,670, T>C. VCF-style: chr4-112646670-T-C. GRCh37 (hg19) VCF-style: chr4-113567826-T-C.
Other names: c.386T>C, p.Val129Ala (NM_001370976.1, NM_001370977.1, NM_001370978.1 and 6 more transcripts); c.149T>C, p.Val50Ala (NM_001370981.1, NM_001370982.1); c.386T>C (NM_016648.2); short protein forms V50A, V129A.
Identifiers: ClinVar variation 1379118 (VCV001379118.5), dbSNP rs1026406567, ClinGen allele CA103804942.